The following is an entry in ClinVar:

NM_005334.3(HCFC1):c.3233C>T (p.Pro1078Leu)

Gene: HCFC1 (host cell factor C1; minus strand). Cytogenetic location: Xq28.
Variant type: single nucleotide variant.
Coding change: c.3233C>T on transcript NM_005334.3 (MANE Select); coding-DNA position 3233, C replaced by T.
Protein change: p.Pro1078Leu; replaces proline 1078 with leucine.
Molecular consequence: missense variant.
Genome position (GRCh38, 1-based): chrX:153,955,166, G>A on the plus strand (C>T on the coding strand, the complement: HCFC1 is on the minus strand). VCF-style: chrX-153955166-G-A. GRCh37 (hg19) VCF-style: chrX-153220617-G-A.
Other names: c.3233C>T, p.Pro1078Leu (NM_001410705.1); short protein forms P1078L.
Identifiers: ClinVar variation 1905827 (VCV001905827.5), dbSNP rs2521562987, ClinGen allele CA415125396.

ClinVar aggregate classification (germline): Uncertain significance (1 of 4 stars; one submission).

Conditions:
Methylmalonic acidemia with homocystinuria, type cblX (MAHCX). Also called: INTELLECTUAL DEVELOPMENTAL DISORDER, X-LINKED 3. Identifiers: Orphanet 369962, MedGen C0796208, MONDO:0010657, OMIM 309541.

Allele frequency attached by ClinVar (database versions not stated): gnomAD exomes below 0.00001.
gnomAD v4.1: 5 of 1,211,650 alleles (0.00041%); highest among the groups gnomAD compares: Admixed American, 0.0043%; no homozygotes.

Submission:

Labcorp Genetics (formerly Invitae), Labcorp
Classification: Uncertain significance for Methylmalonic acidemia with homocystinuria, type cblX. Last evaluated: 2024-09-30. Review status: criteria provided, single submitter. Criteria: Invitae Variant Classification Sherloc (09022015). Collection method: clinical testing. Allele origin: germline.
Comment: This sequence change replaces proline, which is neutral and non-polar, with leucine, which is neutral and non-polar, at codon 1078 of the HCFC1 protein (p.Pro1078Leu). This variant is not present in population databases (gnomAD no frequency). This variant has not been reported in the literature in individuals affected with HCFC1-related conditions. ClinVar contains an entry for this variant (Variation ID: 1905827). An algorithm developed to predict the effect of missense changes on protein structure and function (PolyPhen-2) suggests that this variant is likely to be disruptive. In summary, the available evidence is currently insufficient to determine the role of this variant in disease. Therefore, it has been classified as a Variant of Uncertain Significance.